The following is an entry in ClinVar:

NM_014956.5(CEP164):c.506T>C (p.Leu169Pro)

Gene: CEP164 (centrosomal protein 164; plus strand). Cytogenetic location: 11q23.3.
Variant type: single nucleotide variant.
Coding change: c.506T>C on transcript NM_014956.5 (MANE Select); coding-DNA position 506, T replaced by C.
Protein change: p.Leu169Pro; replaces leucine 169 with proline.
Molecular consequence: missense variant.
Genome position (GRCh38, 1-based): chr11:117,361,947, T>C. VCF-style: chr11-117361947-T-C. GRCh37 (hg19) VCF-style: chr11-117232663-T-C.
Other names: c.506T>C, p.Leu169Pro (NM_001271933.2); short protein forms L169P.
Identifiers: ClinVar variation 2037978 (VCV002037978.3), dbSNP rs1468452149, ClinGen allele CA382730738.

ClinVar aggregate classification (germline): Uncertain significance (1 of 4 stars; one submission).

Conditions:
Nephronophthisis 15 (NPHP15). Identifiers: Orphanet 3156, MedGen C3541853, MONDO:0013917, OMIM 614845.

Submission:

Labcorp Genetics (formerly Invitae), Labcorp
Classification: Uncertain significance for Nephronophthisis 15. Last evaluated: 2022-07-18. Review status: criteria provided, single submitter. Criteria: Invitae Variant Classification Sherloc (09022015). Collection method: clinical testing. Allele origin: germline.
Comment: In summary, the available evidence is currently insufficient to determine the role of this variant in disease. Therefore, it has been classified as a Variant of Uncertain Significance. Algorithms developed to predict the effect of missense changes on protein structure and function output the following: SIFT: "Deleterious"; PolyPhen-2: "Benign"; Align-GVGD: "Class C65". The proline amino acid residue is found in multiple mammalian species, which suggests that this missense change does not adversely affect protein function. This variant has not been reported in the literature in individuals affected with CEP164-related conditions. This variant is not present in population databases (gnomAD no frequency). This sequence change replaces leucine, which is neutral and non-polar, with proline, which is neutral and non-polar, at codon 169 of the CEP164 protein (p.Leu169Pro).